The following is an entry in ClinVar:

ClinVar aggregate classification (germline): Uncertain significance. Review status: criteria provided, multiple submitters, no conflicts (2 of 4 stars). 2 submissions from 2 submitters: Uncertain significance (2). Last evaluated 2022-06-07.

Conditions:
Inborn genetic diseases. Identifiers: MedGen C0950123, MeSH D030342.

Allele frequency attached by ClinVar (database versions not stated): gnomAD 0.00001; gnomAD exomes 0.00001; TOPMed 0.00002.
gnomAD v4.1: 11 of 1,614,134 alleles (0.00068%); highest among the groups gnomAD compares: African/African-American, 0.0067%; no homozygotes.

Submissions (2):

Labcorp Genetics (formerly Invitae), Labcorp
Classification: Uncertain significance. Last evaluated: 2022-06-07. Review status: criteria provided, single submitter. Criteria: Invitae Variant Classification Sherloc (09022015). Collection method: clinical testing. Allele origin: germline.
Comment: This sequence change falls in intron 28 of the DUOX2 gene. It does not directly change the encoded amino acid sequence of the DUOX2 protein. It affects a nucleotide within the consensus splice site. This variant is present in population databases (no rsID available, gnomAD 0.008%). This variant has not been reported in the literature in individuals affected with DUOX2-related conditions. Variants that disrupt the consensus splice site are a relatively common cause of aberrant splicing (PMID: 17576681, 9536098). Algorithms developed to predict the effect of sequence changes on RNA splicing suggest that this variant may disrupt the consensus splice site. In summary, the available evidence is currently insufficient to determine the role of this variant in disease. Therefore, it has been classified as a Variant of Uncertain Significance.

Ambry Genetics
Classification: Uncertain significance for Inborn genetic diseases. Last evaluated: 2021-09-24. Review status: criteria provided, single submitter. Criteria: Ambry Variant Classification Scheme 2023. Collection method: clinical testing. Allele origin: germline.
Comment: The c.3693+5G>C intronic alteration consists of a G to C substitution nucleotides after coding exon 27 in the DUOX2 gene. Based on insufficient or conflicting evidence, the clinical significance of this alteration remains unclear.

Literature cited by the submitters: PubMed 17576681 (cited by Labcorp Genetics (formerly Invitae), Labcorp); PubMed 9536098 (cited by Labcorp Genetics (formerly Invitae), Labcorp).

NM_001363711.2(DUOX2):c.3693+5G>C

Gene: DUOX2 (dual oxidase 2; minus strand). Cytogenetic location: 15q21.1.
Variant type: single nucleotide variant.
Coding change: c.3693+5G>C on transcript NM_001363711.2 (MANE Select); 5 bases into the intron after coding-DNA position 3693, G replaced by C.
Molecular consequence: intron variant.
Genome position (GRCh38, 1-based): chr15:45,097,609, C>G on the plus strand (G>C on the coding strand, the complement: DUOX2 is on the minus strand). VCF-style: chr15-45097609-C-G. GRCh37 (hg19) VCF-style: chr15-45389807-C-G.
Other names: c.3693+5G>C (NM_014080.5, NM_014080.4).
Identifiers: ClinVar variation 2190322 (VCV002190322.2), dbSNP rs947526002, ClinGen allele CA270120923.